The following is an entry in ClinVar:

NM_000492.4(CFTR):c.4242+1G>T

Gene: CFTR (CF transmembrane conductance regulator; plus strand). Cytogenetic location: 7q31.2.
Variant type: single nucleotide variant.
Coding change: c.4242+1G>T on transcript NM_000492.4 (MANE Select); the canonical splice donor site of the intron after coding-DNA position 4242, G replaced by T.
Molecular consequence: splice donor variant.
Genome position (GRCh38, 1-based): chr7:117,665,565, G>T. VCF-style: chr7-117665565-G-T. GRCh37 (hg19) VCF-style: chr7-117305619-G-T.
Other names: 4374+1G->T.
Identifiers: ClinVar variation 53930 (VCV000053930.17), dbSNP rs372227120, ClinGen allele CA327466.

ClinVar aggregate classification (germline): Pathogenic. Review status: reviewed by expert panel (3 of 4 stars). 9 submissions from 9 submitters: Pathogenic (1). 8 of the submissions do not count toward it. Last evaluated 2017-03-17.

Conditions:
CFTR-related disorder (CFTR-RD). Also called: CFTR-related disorders; CFTR-related condition. Identifiers: MedGen C5924204, MONDO:7770004.
Congenital bilateral aplasia of vas deferens from CFTR mutation (CBAVD). Identifiers: Orphanet 48, MedGen C0403814, MONDO:0010178, OMIM 277180. Disease mechanism: loss of function.
Cystic fibrosis (CF). Also called: MUCOVISCIDOSIS. Identifiers: Orphanet 586, MedGen C0010674, MONDO:0009061, OMIM 219700. Disease mechanism: loss of function.

Allele frequency attached by ClinVar (database versions not stated): gnomAD 0.00001; ESP Exome Variant Server 0.00008; gnomAD exomes below 0.00001; TOPMed below 0.00001; ExAC 0.00001.
gnomAD v4.1: 2 of 1,589,424 alleles (0.00013%); highest among the groups gnomAD compares: Non-Finnish European, 0.00017%; no homozygotes.

Submissions (9):

CFTR2
Classification: Pathogenic for Cystic fibrosis. Last evaluated: 2017-03-17. Review status: reviewed by expert panel. Criteria: Sosnay PR et al. (Nat Genet 2013). Collection method: research. Allele origin: germline. Affected: yes. Study: CFTR2.

Institute of Human Genetics, University of Leipzig Medical Center
Classification: Pathogenic for Cystic fibrosis. Last evaluated: 2026-06-15. Review status: criteria provided, single submitter. Criteria: ACMG Guidelines, 2015. Collection method: clinical testing. Allele origin: unknown. Inheritance: Autosomal recessive inheritance. Affected: yes. Not counted in ClinVar's aggregate classification.
Comment: Criteria applied: PM3_VSTR,PVS1_STR,PM2,PS1_SUP,PP4

Women's Health and Genetics/Laboratory Corporation of America, LabCorp
Classification: Pathogenic for Cystic fibrosis. Last evaluated: 2026-04-10. Review status: criteria provided, single submitter. Criteria: LabCorp Variant Classification Summary - May 2015. Collection method: clinical testing. Allele origin: germline. Not counted in ClinVar's aggregate classification.
Comment: Variant summary: CFTR c.4242+1G>T, also reported as c.4374+1G>T, is located in a canonical splice-site and is predicted to affect mRNA splicing resulting in a significantly altered protein due to either exon skipping, shortening, or inclusion of intronic material. Variants that disrupt the consensus splice site are a relatively common cause of aberrant splicing and loss of CFTR function. Several computational tools predict a significant impact on normal splicing: Three predict the variant abolishes a 5' splicing donor site. One predicts the variant creates a 3' acceptor site. However, these predictions have yet to be confirmed by functional studies. The variant allele was found at a frequency of 4e-06 in 250642 control chromosomes. c.4242+1G>T has been observed in the presumed or confirmed compound heterozygous state in multiple individual(s) affected with Cystic Fibrosis (example, Dork_1993, Krzyanowska_2015, Burgel_2023, Munck_2020). These data indicate that the variant may be associated with disease. To our knowledge, no experimental evidence demonstrating an impact on protein function has been reported. The following publications have been ascertained in the context of this evaluation (PMID: 7682196, 34936849, 26160248, 27898234, 33919435, 36796836, 31916691). ClinVar contains an entry for this variant (Variation ID: 53930). Based on the evidence outlined above, the variant was classified as pathogenic.

Natera, Inc.
Classification: Pathogenic for CFTR-related disorders. Last evaluated: 2024-05-24. Review status: criteria provided, single submitter. Criteria: Natera Variant Classification Schema (03/2026). Collection method: clinical testing. Allele origin: germline. Not counted in ClinVar's aggregate classification.
Comment: The c.4242+1G>T variant in CFTR is a canonical splice donor site variant predicted to affect pre-mRNA splicing, which may result in an abnormal transcript and altered protein product. This variant is expected to result in nonsense mediated decay, truncation, or a dysfunctional protein product. This variant is rare in the general population with a frequency below the threshold expected for the associated phenotype(s). This variant has been observed in one or more individuals affected with the associated recessive disease, as either homozygous or compound heterozygous with a second variant (PMID: 34936849, 29055982). Given the available evidence, this variant is classified as Pathogenic.

Labcorp Genetics (formerly Invitae), Labcorp
Classification: Pathogenic for Cystic fibrosis. Last evaluated: 2023-11-24. Review status: criteria provided, single submitter. Criteria: Invitae Variant Classification Sherloc (09022015). Collection method: clinical testing. Allele origin: germline. Not counted in ClinVar's aggregate classification.
Comment: This sequence change affects a donor splice site in intron 26 of the CFTR gene. While this variant is not anticipated to result in nonsense mediated decay, it likely alters RNA splicing and results in a disrupted protein product. This variant is present in population databases (rs372227120, gnomAD 0.0009%). Disruption of this splice site has been observed in individual(s) with cystic fibrosis (PMID: 1379210, 7682196, 15074370). This variant is also known as 4374+1G>T. ClinVar contains an entry for this variant (Variation ID: 53930). Variants that disrupt the consensus splice site are a relatively common cause of aberrant splicing (PMID: 17576681, 9536098). Algorithms developed to predict the effect of sequence changes on RNA splicing suggest that this variant may disrupt the consensus splice site. For these reasons, this variant has been classified as Pathogenic.

Mendelics
Classification: Pathogenic for Cystic fibrosis. Last evaluated: 2018-11-05. Review status: criteria provided, single submitter. Criteria: Mendelics Assertion Criteria 2017. Collection method: clinical testing. Allele origin: unknown. Affected: yes. Not counted in ClinVar's aggregate classification.

Ambry Genetics
Classification: Pathogenic for Cystic fibrosis. Last evaluated: 2015-09-16. Review status: criteria provided, single submitter. Criteria: Ambry Variant Classification Scheme 2023. Collection method: clinical testing. Allele origin: germline. Not counted in ClinVar's aggregate classification.
Comment: The c.4242+1G>T intronic pathogenic mutation (also known as 4374+1G>T) results from a G to T substitution one nucleotide after coding exon 26 of the CFTR gene. This alteration was reported in one patient with cystic fibrosis who had pancreatic insufficiency, elevated sweat chloride levels, and decreased lung function (Dork et al. Genomics. 1993 Mar;15(3):688-91). This individual also had the deltaF508 mutation, however phase was unknown. In addition to the clinical data presented in the literature, since alterations that disrupt the canonical splice donor site are typically deleterious in nature, this alteration is interpreted as a disease-causing mutation (ACMG Recommendations for Standards for Interpretation and Reporting of Sequence Variations. Revision 2007. Genet Med. 2008;10:294).

Baylor Genetics
Classification: Pathogenic for Congenital bilateral aplasia of vas deferens from CFTR mutation; Cystic fibrosis. Review status: criteria provided, single submitter. Criteria: ACMG Guidelines, 2015. Collection method: clinical testing. Allele origin: germline. Not counted in ClinVar's aggregate classification.

Counsyl
Classification: Likely pathogenic for Cystic fibrosis. Last evaluated: 2014-11-20. Review status: no assertion criteria provided. Collection method: literature only. Allele origin: unknown. Inheritance: Autosomal recessive inheritance. Not counted in ClinVar's aggregate classification.

Literature cited by the submitters: PubMed 26160248 (cited by Women's Health and Genetics/Laboratory Corporation of America, LabCorp); PubMed 7682196 (cited by 3 submitters); PubMed 31916691 (cited by Women's Health and Genetics/Laboratory Corporation of America, LabCorp); PubMed 33919435 (cited by Women's Health and Genetics/Laboratory Corporation of America, LabCorp); PubMed 36796836 (cited by Women's Health and Genetics/Laboratory Corporation of America, LabCorp); PubMed 34936849 (cited by Women's Health and Genetics/Laboratory Corporation of America, LabCorp and Natera, Inc.); PubMed 27898234 (cited by Women's Health and Genetics/Laboratory Corporation of America, LabCorp); PubMed 29055982 (cited by Natera, Inc.); PubMed 1379210 (cited by Labcorp Genetics (formerly Invitae), Labcorp); PubMed 15074370 (cited by Labcorp Genetics (formerly Invitae), Labcorp); PubMed 17576681 (cited by Labcorp Genetics (formerly Invitae), Labcorp); PubMed 9536098 (cited by Labcorp Genetics (formerly Invitae), Labcorp); PubMed 7521710 (cited by Counsyl); PubMed 25087612 (cited by Counsyl); PubMed 23276700 (cited by Counsyl); PubMed 20932301 (cited by Counsyl); PubMed 18687795 (cited by Counsyl); PubMed 18456578 (cited by Counsyl).